The following is an entry in ClinVar:

ClinVar aggregate classification (germline): Uncertain significance (1 of 4 stars; one submission).

gnomAD v4.1: 1 of 1,609,908 alleles (0.000062%); highest among the groups gnomAD compares: Non-Finnish European, 0.000085%; no homozygotes.

Submission:

Labcorp Genetics (formerly Invitae), Labcorp
Classification: Uncertain significance. Last evaluated: 2024-03-03. Review status: criteria provided, single submitter. Criteria: Invitae Variant Classification Sherloc (09022015). Collection method: clinical testing. Allele origin: germline.
Comment: This sequence change replaces proline, which is neutral and non-polar, with alanine, which is neutral and non-polar, at codon 907 of the PTPN23 protein (p.Pro907Ala). This variant is not present in population databases (gnomAD no frequency). This variant has not been reported in the literature in individuals affected with PTPN23-related conditions. Experimental studies and prediction algorithms are not available or were not evaluated, and the functional significance of this variant is currently unknown. In summary, the available evidence is currently insufficient to determine the role of this variant in disease. Therefore, it has been classified as a Variant of Uncertain Significance.

NM_015466.4(PTPN23):c.2719C>G (p.Pro907Ala)

Gene: PTPN23 (protein tyrosine phosphatase non-receptor type 23; plus strand). Cytogenetic location: 3p21.31.
Variant type: single nucleotide variant.
Coding change: c.2719C>G on transcript NM_015466.4 (MANE Select); coding-DNA position 2719, C replaced by G.
Protein change: p.Pro907Ala; replaces proline 907 with alanine.
Molecular consequence: missense variant.
Genome position (GRCh38, 1-based): chr3:47,410,517, C>G. VCF-style: chr3-47410517-C-G. GRCh37 (hg19) VCF-style: chr3-47452007-C-G.
Other names: c.2341C>G, p.Pro781Ala (NM_001304482.2); short protein forms P781A, P907A.
Identifiers: ClinVar variation 3670677 (VCV003670677.2).